The following is an entry in ClinVar:

ClinVar aggregate classification (germline): Uncertain significance. Review status: criteria provided, single submitter (1 of 4 stars). 2 submissions from 2 submitters: Uncertain significance (1). 1 of the submissions does not count toward it. Last evaluated 2019-03-04.

Conditions:
Retinal dystrophy. Also called: Inherited retinal dystrophy. Identifiers: Orphanet 71862, MedGen C0854723, MeSH D058499, MONDO:0019118, HP:0000556.
Cone-rod dystrophy 15 (CORD15). Identifiers: MedGen C3150912, MONDO:0013348, OMIM 613660.

Submissions (2):

Centre for Mendelian Genomics, University Medical Centre Ljubljana
Classification: Uncertain significance for Cone-rod dystrophy 15. Last evaluated: 2019-03-04. Review status: criteria provided, single submitter. Criteria: ACMG Guidelines, 2015. Collection method: clinical testing. Allele origin: unknown. Affected: yes.
Comment: This variant was classified as: Uncertain significance. The following ACMG criteria were applied in classifying this variant: PM2,PM4.

Institute of Human Genetics, Univ. Regensburg, Univ. Regensburg
Classification: Uncertain significance for Retinal dystrophy. Last evaluated: 2019-01-01. Review status: no assertion criteria provided. Criteria: ACMG Guidelines, 2015. Collection method: clinical testing. Allele origin: germline. Affected: yes. Not counted in ClinVar's aggregate classification.

NM_033100.4(CDHR1):c.2051_2056del (p.Arg684_Ser685del)

Gene: CDHR1 (cadherin related family member 1; plus strand). Cytogenetic location: 10q23.1.
Variant type: Deletion.
Coding change: c.2051_2056del on transcript NM_033100.4 (MANE Select); coding-DNA positions 2051 to 2056, 6 bases deleted (GGAGCC; older notation c.2051_2056delGGAGCC).
Protein change: p.Arg684_Ser685del.
Molecular consequence: inframe deletion. On other transcripts: intron variant (1).
Genome position (GRCh38, 1-based): chr10:84,214,092-84,214,097, GGAGCC deleted; deleting any 6 consecutive bases within chr10:84,214,090-84,214,097 gives the same sequence; the c. name uses the placement nearest the transcript's 3' end. VCF-style (leftmost placement, unchanged base first): chr10-84214089-CCCGGAG-C. GRCh37 (hg19) VCF-style: chr10-85973845-CCCGGAG-C.
Other names: c.2040+744_2040+749del (NM_001171971.3).
Identifiers: ClinVar variation 930441 (VCV000930441.4), dbSNP rs760555697, ClinGen allele CA5580139.